The following is an entry in ClinVar:

ClinVar aggregate classification (germline): Conflicting classifications of pathogenicity. Review status: criteria provided, conflicting classifications (1 of 4 stars). 3 submissions from 3 submitters: Uncertain significance (1); Likely benign (2). Last evaluated 2026-05-13.

Conditions:
Inborn genetic diseases. Identifiers: MedGen C0950123, MeSH D030342.
SETD5-related disorder. Also called: SETD5-related disorders; SETD5-related condition.

Allele frequency attached by ClinVar (database versions not stated): TOPMed 0.00001; gnomAD 0.00002.
gnomAD v4.1: 8 of 1,594,126 alleles (0.0005%); highest among the groups gnomAD compares: Admixed American, 0.012%; no homozygotes.

Submissions (3):

PreventionGenetics, part of Exact Sciences
Classification: Likely benign for SETD5-related condition. Last evaluated: 2026-05-13. Review status: criteria provided, single submitter. Criteria: ACMG Guidelines, 2015. Collection method: clinical testing. Allele origin: germline.
Comment: This variant is classified as likely benign based on ACMG/AMP sequence variant interpretation guidelines (Richards et al. 2015 PMID: 25741868, with internal and published modifications).

Labcorp Genetics (formerly Invitae), Labcorp
Classification: Uncertain significance. Last evaluated: 2023-01-26. Review status: criteria provided, single submitter. Criteria: Invitae Variant Classification Sherloc (09022015). Collection method: clinical testing. Allele origin: germline.
Comment: In summary, the available evidence is currently insufficient to determine the role of this variant in disease. Therefore, it has been classified as a Variant of Uncertain Significance. Advanced modeling of protein sequence and biophysical properties (such as structural, functional, and spatial information, amino acid conservation, physicochemical variation, residue mobility, and thermodynamic stability) performed at Invitae indicates that this missense variant is not expected to disrupt SETD5 protein function. This variant has not been reported in the literature in individuals affected with SETD5-related conditions. The frequency data for this variant in the population databases is considered unreliable, as metrics indicate poor data quality at this position in the gnomAD database. This sequence change replaces glutamine, which is neutral and polar, with lysine, which is basic and polar, at codon 1058 of the SETD5 protein (p.Gln1058Lys).

Ambry Genetics
Classification: Likely benign for Inborn genetic diseases. Last evaluated: 2022-07-12. Review status: criteria provided, single submitter. Criteria: Ambry Variant Classification Scheme 2023. Collection method: clinical testing. Allele origin: germline.

NM_001080517.3(SETD5):c.3172C>A (p.Gln1058Lys)

Gene: SETD5 (SET domain containing 5; plus strand). Cytogenetic location: 3p25.3.
Variant type: single nucleotide variant.
Coding change: c.3172C>A on transcript NM_001080517.3 (MANE Select); coding-DNA position 3172, C replaced by A.
Protein change: p.Gln1058Lys; replaces glutamine 1058 with lysine.
Molecular consequence: missense variant.
Genome position (GRCh38, 1-based): chr3:9,470,906, C>A. VCF-style: chr3-9470906-C-A. GRCh37 (hg19) VCF-style: chr3-9512590-C-A.
Other names: c.3172C>A (NM_001080517.2); c.2878C>A, p.Gln960Lys (NM_001292043.2, NM_001349451.2); short protein forms Q960K, Q1058K.
Identifiers: ClinVar variation 2206154 (VCV002206154.8), dbSNP rs1165727019, ClinGen allele CA351682927.